The following is an entry in ClinVar:

NM_001142800.2(EYS):c.8104A>C (p.Asn2702His)

Gene: EYS (EGF-like photoreceptor maintenance factor; minus strand). Cytogenetic location: 6q12.
Variant type: single nucleotide variant.
Coding change: c.8104A>C on transcript NM_001142800.2 (MANE Select); coding-DNA position 8104, A replaced by C.
Protein change: p.Asn2702His; replaces asparagine 2702 with histidine.
Molecular consequence: missense variant.
Genome position (GRCh38, 1-based): chr6:63,726,648, T>G on the plus strand (A>C on the coding strand, the complement: EYS is on the minus strand). VCF-style: chr6-63726648-T-G. GRCh37 (hg19) VCF-style: chr6-64436541-T-G.
Other names: c.8167A>C, p.Asn2723His (NM_001292009.2); short protein forms N2723H, N2702H.
Identifiers: ClinVar variation 1039108 (VCV001039108.9), dbSNP rs1768627778, ClinGen allele CA364386337.

ClinVar aggregate classification (germline): Uncertain significance. Review status: criteria provided, single submitter (1 of 4 stars). 2 submissions from 2 submitters: Uncertain significance (1). 1 of the submissions does not count toward it. Last evaluated 2022-11-29.

Conditions:
Retinitis pigmentosa 25 (RP25). Identifiers: Orphanet 791, MedGen C1864446, MONDO:0011272, OMIM 602772.

Submissions (2):

Labcorp Genetics (formerly Invitae), Labcorp
Classification: Uncertain significance. Last evaluated: 2022-11-29. Review status: criteria provided, single submitter. Criteria: Invitae Variant Classification Sherloc (09022015). Collection method: clinical testing. Allele origin: germline.
Comment: In summary, the available evidence is currently insufficient to determine the role of this variant in disease. Therefore, it has been classified as a Variant of Uncertain Significance. Algorithms developed to predict the effect of missense changes on protein structure and function output the following: SIFT: "Tolerated"; PolyPhen-2: "Benign"; Align-GVGD: "Class C0". The histidine amino acid residue is found in multiple mammalian species, which suggests that this missense change does not adversely affect protein function. ClinVar contains an entry for this variant (Variation ID: 1039108). This variant has not been reported in the literature in individuals affected with EYS-related conditions. This variant is not present in population databases (gnomAD no frequency). This sequence change replaces asparagine, which is neutral and polar, with histidine, which is basic and polar, at codon 2702 of the EYS protein (p.Asn2702His).

Natera, Inc.
Classification: Uncertain significance for Retinitis pigmentosa type 25. Last evaluated: 2020-01-24. Review status: no assertion criteria provided. Collection method: clinical testing. Allele origin: germline. Not counted in ClinVar's aggregate classification.